The following is an entry in ClinVar:

NM_012213.3(MLYCD):c.14G>C (p.Gly5Ala)

Genes: MLYCD (malonyl-CoA decarboxylase; plus strand), LOC130059554 (ATAC-STARR-seq lymphoblastoid silent region 7769; plus strand). Cytogenetic location: 16q23.3.
Variant type: single nucleotide variant.
Coding change: c.14G>C on transcript NM_012213.3 (MANE Select); coding-DNA position 14, G replaced by C.
Protein change: p.Gly5Ala; replaces glycine 5 with alanine.
Molecular consequence: missense variant.
Genome position (GRCh38, 1-based): chr16:83,899,158, G>C. VCF-style: chr16-83899158-G-C. GRCh37 (hg19) VCF-style: chr16-83932763-G-C.
Other names: short protein forms G5A.
Identifiers: ClinVar variation 1936665 (VCV001936665.5), dbSNP rs2507370259, ClinGen allele CA396917476.

ClinVar aggregate classification (germline): Uncertain significance (1 of 4 stars; one submission).

Conditions:
Deficiency of malonyl-CoA decarboxylase. Also called: Malonic aciduria; MCD deficiency. Identifiers: Orphanet 943, MedGen C0342793, MONDO:0009556, OMIM 248360.

Submission:

Labcorp Genetics (formerly Invitae), Labcorp
Classification: Uncertain significance for Deficiency of malonyl-CoA decarboxylase. Last evaluated: 2023-08-04. Review status: criteria provided, single submitter. Criteria: Invitae Variant Classification Sherloc (09022015). Collection method: clinical testing. Allele origin: germline.
Comment: This sequence change replaces glycine, which is neutral and non-polar, with alanine, which is neutral and non-polar, at codon 5 of the MLYCD protein (p.Gly5Ala). This variant is not present in population databases (gnomAD no frequency). This variant has not been reported in the literature in individuals affected with MLYCD-related conditions. ClinVar contains an entry for this variant (Variation ID: 1936665). An algorithm developed to predict the effect of missense changes on protein structure and function (PolyPhen-2) suggests that this variant is likely to be tolerated. In summary, the available evidence is currently insufficient to determine the role of this variant in disease. Therefore, it has been classified as a Variant of Uncertain Significance.